The following is an entry in ClinVar:

NM_004208.4(AIFM1):c.349+6T>C

Genes: AIFM1 (apoptosis inducing factor mitochondria associated 1; minus strand), RAB33A (RAB33A, member RAS oncogene family; plus strand). Cytogenetic location: Xq26.1.
Variant type: single nucleotide variant.
Coding change: c.349+6T>C on transcript NM_004208.4 (MANE Select); 6 bases into the intron after coding-DNA position 349, T replaced by C.
Molecular consequence: intron variant.
Genome position (GRCh38, 1-based): chrX:130,149,463, A>G on the plus strand (T>C on the coding strand, the complement: AIFM1 is on the minus strand). VCF-style: chrX-130149463-A-G. GRCh37 (hg19) VCF-style: chrX-129283438-A-G.
Other names: c.337+6T>C (NM_145812.3); c.349+6T>C (NM_001130847.4).
Identifiers: ClinVar variation 2931216 (VCV002931216.3), dbSNP rs1351090856, ClinGen allele CA644166573.

ClinVar aggregate classification (germline): Uncertain significance (1 of 4 stars; one submission).

Conditions:
Combined oxidative phosphorylation deficiency. Identifiers: MedGen C4540031, MONDO:0000732.
Charcot-Marie-Tooth Neuropathy X. Identifiers: MedGen CN118851.

Allele frequency attached by ClinVar (database versions not stated): gnomAD exomes below 0.00001; TOPMed 0.00001.
gnomAD v4.1: 2 of 1,194,974 alleles (0.00017%); highest among the groups gnomAD compares: Admixed American, 0.0043%; no homozygotes.

Submission:

Labcorp Genetics (formerly Invitae), Labcorp
Classification: Uncertain significance for Charcot-Marie-Tooth Neuropathy X; Combined oxidative phosphorylation deficiency. Last evaluated: 2024-03-15. Review status: criteria provided, single submitter. Criteria: Invitae Variant Classification Sherloc (09022015). Collection method: clinical testing. Allele origin: germline.
Comment: This sequence change falls in intron 3 of the AIFM1 gene. It does not directly change the encoded amino acid sequence of the AIFM1 protein. It affects a nucleotide within the consensus splice site. This variant is present in population databases (no rsID available, gnomAD 0.008%), including at least one homozygous and/or hemizygous individual. This variant has not been reported in the literature in individuals affected with AIFM1-related conditions. Variants that disrupt the consensus splice site are a relatively common cause of aberrant splicing (PMID: 17576681, 9536098). Algorithms developed to predict the effect of sequence changes on RNA splicing suggest that this variant is not likely to affect RNA splicing. In summary, the available evidence is currently insufficient to determine the role of this variant in disease. Therefore, it has been classified as a Variant of Uncertain Significance.

Literature cited by the submitters: PubMed 17576681; PubMed 9536098.